The following is an entry in ClinVar:

ClinVar aggregate classification (germline): Likely benign (1 of 4 stars; one submission).

Conditions:
Hermansky-Pudlak syndrome 5 (HPS5). Identifiers: Orphanet 231512, Orphanet 79430, MedGen C3888004, MONDO:0013557, OMIM 614074.

Allele frequency attached by ClinVar (database versions not stated): gnomAD 0.00021 and 0.00038; TOPMed 0.00027; gnomAD exomes 0.00063; 1000 Genomes Project 30x 0.00156; 1000 Genomes Project 0.00180.
gnomAD v4.1: 121 of 256,374 alleles (0.047%); highest among the groups gnomAD compares: East Asian, 1.1%; 2 homozygotes.

Submission:

Illumina Laboratory Services, Illumina
Classification: Likely benign for Hermansky-Pudlak syndrome 5. Last evaluated: 2018-01-12. Review status: criteria provided, single submitter. Criteria: ICSL Variant Classification Criteria 13 December 2019. Collection method: clinical testing. Allele origin: germline.
Comment: This variant was observed in the ICSL laboratory as part of a predisposition screen in an ostensibly healthy population. It had not been previously curated by ICSL or reported in the Human Gene Mutation Database (HGMD: prior to June 1st, 2018), and was therefore a candidate for classification through an automated scoring system. Utilizing variant allele frequency, disease prevalence and penetrance estimates, and inheritance mode, an automated score was calculated to assess if this variant is too frequent to cause the disease. Based on the score and internal cut-off values, a variant classified as likely benign is not then subjected to further curation. The score for this variant resulted in a classification of likely benign for this disease.

NM_181507.2(HPS5):c.*362G>A

Gene: HPS5 (HPS5 biogenesis of lysosomal organelles complex 2 subunit 2; minus strand). Cytogenetic location: 11p15.1.
Variant type: single nucleotide variant.
Coding change: c.*362G>A on transcript NM_181507.2 (MANE Select); 362 bases downstream of the stop codon, G replaced by A.
Molecular consequence: 3 prime UTR variant.
Genome position (GRCh38, 1-based): chr11:18,279,520, C>T on the plus strand (G>A on the coding strand, the complement: HPS5 is on the minus strand). VCF-style: chr11-18279520-C-T. GRCh37 (hg19) VCF-style: chr11-18301067-C-T.
Other names: c.*362G>A (NM_007216.4, NM_181508.2).
Identifiers: ClinVar variation 303860 (VCV000303860.5), dbSNP rs148862838, ClinGen allele CA10638650.
Genomic context (GRCh38, chr11:18,279,520, plus strand): 5'-ACTCCAGTCAATAATACCATCTGTCTTCATGTGACCAGGATGAAAAGCTTCTGCTCCCAA[C>T]ATGGAAGCCACAGTAAGAAAAGAATCTGTCTAATCCACTAGCAACAAGCAGTTAATACTG-3'